The following is an entry in ClinVar:

ClinVar aggregate classification (germline): Uncertain significance (1 of 4 stars; one submission).

Conditions:
Diamond-Blackfan anemia. Also called: Blackfan Diamond syndrome; Aregenerative anemia chronic congenital; Red cell aplasia, pure hereditary; Congenital hypoplastic anemia; Aase syndrome. Identifiers: Orphanet 124, MedGen C1260899, MeSH D029503, MONDO:0015253, HP:0004810.

Submission:

Labcorp Genetics (formerly Invitae), Labcorp
Classification: Uncertain significance for Diamond-Blackfan anemia. Last evaluated: 2022-07-29. Review status: criteria provided, single submitter. Criteria: Invitae Variant Classification Sherloc (09022015). Collection method: clinical testing. Allele origin: germline.
Comment: This sequence change replaces lysine, which is basic and polar, with arginine, which is basic and polar, at codon 27 of the RPS19 protein (p.Lys27Arg). In summary, the available evidence is currently insufficient to determine the role of this variant in disease. Therefore, it has been classified as a Variant of Uncertain Significance. Algorithms developed to predict the effect of missense changes on protein structure and function are either unavailable or do not agree on the potential impact of this missense change (SIFT: "Deleterious"; PolyPhen-2: "Benign"; Align-GVGD: "Class C25"). This variant has not been reported in the literature in individuals affected with RPS19-related conditions. This variant is not present in population databases (gnomAD no frequency).

NM_001022.4(RPS19):c.80A>G (p.Lys27Arg)

Genes: RPS19 (ribosomal protein S19; plus strand), RPS19-CD79A (RPS19-CD79A readthrough; plus strand). Cytogenetic location: 19q13.2.
Variant type: single nucleotide variant.
Coding change: c.80A>G on transcript NM_001022.4 (MANE Select); coding-DNA position 80, A replaced by G.
Protein change: p.Lys27Arg; replaces lysine 27 with arginine.
Molecular consequence: missense variant.
Genome position (GRCh38, 1-based): chr19:41,861,120, A>G. VCF-style: chr19-41861120-A-G. GRCh37 (hg19) VCF-style: chr19-42365189-A-G.
Other names: c.80A>G, p.Lys27Arg (NM_001321483.2, NM_001321484.2, NM_001321485.2); short protein forms K27R.
Identifiers: ClinVar variation 1714070 (VCV001714070.6), dbSNP rs2513667119, ClinGen allele CA406046553.